The following is an entry in ClinVar:

ClinVar aggregate classification (germline): Uncertain significance (1 of 4 stars; one submission).

Allele frequency attached by ClinVar (database versions not stated): gnomAD 0.00001; TOPMed 0.00002.
gnomAD v4.1: 9 of 1,613,148 alleles (0.00056%); highest among the groups gnomAD compares: Non-Finnish European, 0.00068%; no homozygotes.

Submission:

Labcorp Genetics (formerly Invitae), Labcorp
Classification: Uncertain significance. Last evaluated: 2025-10-06. Review status: criteria provided, single submitter. Criteria: Invitae Variant Classification Sherloc (09022015). Collection method: clinical testing. Allele origin: germline.
Comment: This sequence change replaces arginine, which is basic and polar, with glutamine, which is neutral and polar, at codon 2224 of the SPEG protein (p.Arg2224Gln). This variant is present in population databases (rs768497312, gnomAD 0.0009%). This variant has not been reported in the literature in individuals affected with SPEG-related conditions. ClinVar contains an entry for this variant (Variation ID: 2131619). An algorithm developed to predict the effect of missense changes on protein structure and function outputs the following: PolyPhen-2: "Benign". The glutamine amino acid residue is found in multiple mammalian species, which suggests that this missense change does not adversely affect protein function. In summary, the available evidence is currently insufficient to determine the role of this variant in disease. Therefore, it has been classified as a Variant of Uncertain Significance.

NM_005876.5(SPEG):c.6671G>A (p.Arg2224Gln)

Genes: ASIC4-AS1 (ASIC4 antisense RNA 1; minus strand), SPEG (striated muscle enriched protein kinase; plus strand). Cytogenetic location: 2q35.
Variant type: single nucleotide variant.
Coding change: c.6671G>A on transcript NM_005876.5 (MANE Select); coding-DNA position 6671, G replaced by A.
Protein change: p.Arg2224Gln; replaces arginine 2224 with glutamine.
Molecular consequence: missense variant.
Genome position (GRCh38, 1-based): chr2:219,484,134, G>A. VCF-style: chr2-219484134-G-A. GRCh37 (hg19) VCF-style: chr2-220348856-G-A.
Other names: short protein forms R2224Q.
Identifiers: ClinVar variation 2131619 (VCV002131619.4), dbSNP rs768497312, ClinGen allele CA2127077.